The following is an entry in ClinVar:

NM_020778.5(ALPK3):c.-90G>A

Gene: ALPK3 (alpha kinase 3; plus strand). Cytogenetic location: 15q25.3.
Variant type: single nucleotide variant.
Coding change: c.-90G>A on transcript NM_020778.5 (MANE Select); 90 bases upstream of the start codon, G replaced by A.
Molecular consequence: 5 prime UTR variant.
Genome position (GRCh38, 1-based): chr15:84,817,363, G>A. VCF-style: chr15-84817363-G-A. GRCh37 (hg19) VCF-style: chr15-85360594-G-A.
Identifiers: ClinVar variation 3291645 (VCV003291645.3).
Genomic context (GRCh38, chr15:84,817,363, plus strand): 5'-GTGACGACGGCCCGGCCACCGGCTATAAATAGGGGCGCGCGTCAGCCGCGGGCGGGAGCG[G>A]CGGCGGCGGGCAGGGGCCCGGGGGCCGGGGCCTGGAGGACAGGCGAGGCAGCGGCGAGTG-3'

ClinVar aggregate classification (germline): Uncertain significance. Review status: criteria provided, multiple submitters, no conflicts (2 of 4 stars). 2 submissions from 2 submitters: Uncertain significance (2). Last evaluated 2025-08-30.

Conditions:
Cardiovascular phenotype. Identifiers: MedGen CN230736.

gnomAD v4.1: 21 of 1,229,022 alleles (0.0017%); highest among the groups gnomAD compares: Non-Finnish European, 0.002%; no homozygotes.

Submissions (2):

Labcorp Genetics (formerly Invitae), Labcorp
Classification: Uncertain significance. Last evaluated: 2025-08-30. Review status: criteria provided, single submitter. Criteria: Invitae Variant Classification Sherloc (09022015). Collection method: clinical testing. Allele origin: germline.
Comment: This sequence change replaces alanine, which is neutral and non-polar, with threonine, which is neutral and polar, at codon 173 of the ALPK3 protein (p.Ala173Thr). This variant is not present in population databases (gnomAD no frequency). This variant has not been reported in the literature in individuals affected with ALPK3-related conditions. ClinVar contains an entry for this variant (Variation ID: 3291645). An algorithm developed to predict the effect of missense changes on protein structure and function (PolyPhen-2) suggests that this variant is likely to be tolerated. In summary, the available evidence is currently insufficient to determine the role of this variant in disease. Therefore, it has been classified as a Variant of Uncertain Significance.

Ambry Genetics
Classification: Uncertain significance for Cardiovascular phenotype. Last evaluated: 2024-05-12. Review status: criteria provided, single submitter. Criteria: Ambry Variant Classification Scheme 2023. Collection method: clinical testing. Allele origin: germline.
Comment: The p.A173T variant (also known as c.517G>A), located in coding exon 1 of the ALPK3 gene, results from a G to A substitution at nucleotide position 517. The alanine at codon 173 is replaced by threonine, an amino acid with similar properties. This amino acid position is conserved. In addition, this alteration is predicted to be tolerated by in silico analysis. Based on the available evidence, the clinical significance of this variant remains unclear.